The following is an entry in ClinVar:

ClinVar aggregate classification (germline): Uncertain significance (1 of 4 stars; one submission).

Submission:

Ambry Genetics
Classification: Uncertain significance. Last evaluated: 2025-10-03. Review status: criteria provided, single submitter. Criteria: Ambry Variant Classification Scheme 2023. Collection method: clinical testing. Allele origin: germline.
Comment: The p.F354S variant (also known as c.1061T>C), located in coding exon 1 of the MLH3 gene, results from a T to C substitution at nucleotide position 1061. The phenylalanine at codon 354 is replaced by serine, an amino acid with highly dissimilar properties. This amino acid position is conserved. In addition, the in silico prediction for this alteration is inconclusive. Since supporting evidence is limited at this time, the clinical significance of this alteration remains unclear.

NM_001040108.2(MLH3):c.1061T>C (p.Phe354Ser)

Gene: MLH3 (mutL homolog 3; minus strand). Cytogenetic location: 14q24.3.
Variant type: single nucleotide variant.
Coding change: c.1061T>C on transcript NM_001040108.2 (MANE Select); coding-DNA position 1061, T replaced by C.
Protein change: p.Phe354Ser; replaces phenylalanine 354 with serine.
Molecular consequence: missense variant.
Genome position (GRCh38, 1-based): chr14:75,048,595, A>G on the plus strand (T>C on the coding strand, the complement: MLH3 is on the minus strand). VCF-style: chr14-75048595-A-G. GRCh37 (hg19) VCF-style: chr14-75515298-A-G.
Other names: c.1061T>C, p.Phe354Ser (NM_014381.3); short protein forms F354S.
Identifiers: ClinVar variation 1780464 (VCV001780464.3), dbSNP rs2503304904, ClinGen allele CA390447716.